The following is an entry in ClinVar:

ClinVar aggregate classification (germline): Uncertain significance. Review status: criteria provided, multiple submitters, no conflicts (2 of 4 stars). 2 submissions from 2 submitters: Uncertain significance (2). Last evaluated 2025-04-29.

Conditions:
Developmental and epileptic encephalopathy, 8 (DEE8). Also called: HYPEREKPLEXIA AND EPILEPSY. Identifiers: Orphanet 163985, Orphanet 2076, MedGen C1845102, MONDO:0010375, OMIM 300607.

gnomAD v4.1: 2 of 1,207,249 alleles (0.00017%); highest among the groups gnomAD compares: Non-Finnish European, 0.00022%; no homozygotes.

Submissions (2):

Labcorp Genetics (formerly Invitae), Labcorp
Classification: Uncertain significance for Developmental and epileptic encephalopathy, 8. Last evaluated: 2025-04-29. Review status: criteria provided, single submitter. Criteria: Invitae Variant Classification Sherloc (09022015). Collection method: clinical testing. Allele origin: germline.
Comment: This sequence change replaces glycine, which is neutral and non-polar, with arginine, which is basic and polar, at codon 82 of the ARHGEF9 protein (p.Gly82Arg). This variant is not present in population databases (gnomAD no frequency). This variant has not been reported in the literature in individuals affected with ARHGEF9-related conditions. Invitae Evidence Modeling of protein sequence and biophysical properties (such as structural, functional, and spatial information, amino acid conservation, physicochemical variation, residue mobility, and thermodynamic stability) has been performed for this missense variant. However, the output from this modeling did not meet the statistical confidence thresholds required to predict the impact of this variant on ARHGEF9 protein function. In summary, the available evidence is currently insufficient to determine the role of this variant in disease. Therefore, it has been classified as a Variant of Uncertain Significance.

GeneDx
Classification: Uncertain significance. Last evaluated: 2025-04-15. Review status: criteria provided, single submitter. Criteria: GeneDx Variant Classification Process June 2021. Collection method: clinical testing. Allele origin: germline. Affected: yes.
Comment: Not observed at significant frequency in large population cohorts (gnomAD); In silico analysis indicates that this missense variant does not alter protein structure/function; Has not been previously published as pathogenic or benign to our knowledge

NM_001353921.2(ARHGEF9):c.265G>A (p.Gly89Arg)

Gene: ARHGEF9 (Cdc42 guanine nucleotide exchange factor 9; minus strand). Cytogenetic location: Xq11.1.
Variant type: single nucleotide variant.
Coding change: c.265G>A on transcript NM_001353921.2 (MANE Select); coding-DNA position 265, G replaced by A.
Protein change: p.Gly89Arg; replaces glycine 89 with arginine.
Molecular consequence: missense variant. On other transcripts: 5 prime UTR variant (3).
Genome position (GRCh38, 1-based): chrX:63,706,395, C>T on the plus strand (G>A on the coding strand, the complement: ARHGEF9 is on the minus strand). VCF-style: chrX-63706395-C-T. GRCh37 (hg19) VCF-style: chrX-62926275-C-T.
Other names: c.85G>A, p.Gly29Arg (NM_001173479.2); c.-63G>A (NM_001173480.2, NM_001369042.1); c.181G>A, p.Gly61Arg (NM_001330495.2, NM_001353927.2, NM_001369033.1 and 8 more transcripts); c.265G>A, p.Gly89Arg (NM_001353922.2); c.283G>A, p.Gly95Arg (NM_001353923.1); c.64G>A, p.Gly22Arg (NM_001353924.2, NM_001353926.2, NM_001369039.1 and 1 more transcripts); c.244G>A, p.Gly82Arg (NM_001353928.2, NM_001369030.1, NM_001369031.1 and 2 more transcripts); c.-439G>A (NM_001369045.1); short protein forms G82R, G29R, G61R, G89R, G95R, G22R.
Identifiers: ClinVar variation 4282147 (VCV004282147.2), dbSNP rs267606493.